The following is an entry in ClinVar:

ClinVar aggregate classification (germline): Benign/Likely benign. Review status: criteria provided, multiple submitters, no conflicts (2 of 4 stars). 3 submissions from 3 submitters: Benign (1); Likely benign (2). Last evaluated 2026-07-02.

Conditions:
Sessile serrated polyposis cancer syndrome (SSPCS). Identifiers: Orphanet 157798, MedGen C4310714, MONDO:0014919, OMIM 617108.

Allele frequency attached by ClinVar (database versions not stated): gnomAD 0.00001.
gnomAD v4.1: 2 of 1,613,376 alleles (0.00012%); highest among the groups gnomAD compares: Non-Finnish European, 0.00017%; no homozygotes.

Submissions (3):

Myriad Genetics, Inc.
Classification: Benign for Sessile serrated polyposis cancer syndrome. Last evaluated: 2026-07-02. Review status: criteria provided, single submitter. Criteria: Myriad Autosomal Dominant, Autosomal Recessive and X-Linked Classification Criteria (2023). Collection method: clinical testing. Allele origin: unknown.
Comment: This variant is considered benign. This variant is a silent/synonymous amino acid change and it is not expected to impact splicing.

Labcorp Genetics (formerly Invitae), Labcorp
Classification: Likely benign. Last evaluated: 2024-11-30. Review status: criteria provided, single submitter. Criteria: Invitae Variant Classification Sherloc (09022015). Collection method: clinical testing. Allele origin: germline.

Blueprint Genetics
Classification: Likely benign. Last evaluated: 2022-06-25. Review status: criteria provided, single submitter. Criteria: ACMG Guidelines, 2015. Collection method: clinical testing. Allele origin: germline.

NM_017763.6(RNF43):c.1555C>A (p.Arg519=)

Gene: RNF43 (ring finger protein 43; minus strand). Cytogenetic location: 17q22.
Variant type: single nucleotide variant.
Coding change: c.1555C>A on transcript NM_017763.6 (MANE Select); coding-DNA position 1555, C replaced by A.
Protein change: p.Arg519=; no amino-acid change (arginine 519 retained).
Molecular consequence: synonymous variant.
Genome position (GRCh38, 1-based): chr17:58,358,221, G>T on the plus strand (C>A on the coding strand, the complement: RNF43 is on the minus strand). VCF-style: chr17-58358221-G-T. GRCh37 (hg19) VCF-style: chr17-56435582-G-T.
Other names: c.1555C>A, p.Arg519= (NM_001305544.3); c.1174C>A, p.Arg392= (NM_001305545.2).
Identifiers: ClinVar variation 1966596 (VCV001966596.7), dbSNP rs747063415, ClinGen allele CA501325344.